The following is an entry in ClinVar:

NC_000015.9:g.(?_43237527)_(43367307_?)del

Gene: UBR1 (ubiquitin protein ligase E3 component n-recognin 1; minus strand). Cytogenetic location: 15q15.2.
Variant type: Deletion.
Identifiers: ClinVar variation 3243925 (VCV003243925.1).

ClinVar aggregate classification (germline): Pathogenic (1 of 4 stars; one submission).

Submission:

Labcorp Genetics (formerly Invitae), Labcorp
Classification: Pathogenic. Last evaluated: 2023-11-22. Review status: criteria provided, single submitter. Criteria: Invitae Variant Classification Sherloc (09022015). Collection method: clinical testing. Allele origin: unknown.
Comment: This variant is a gross deletion of the genomic region encompassing exon(s) 4-47 of the UBR1 gene, which includes the termination codon. This deletion extends beyond the assayed region for this gene and therefore may encompass additional genes. While this deletion is not anticipated to lead to nonsense mediated decay, it is expected to alter mRNA translation or result in a truncated protein product. This variant has not been reported in the literature in individuals affected with UBR1-related conditions. This variant disrupts a region of the UBR1 protein in which other variant(s) (p.Gln1102Glu) have been determined to be pathogenic (PMID: 21931868). This suggests that this is a clinically significant region of the protein, and that variants that disrupt it are likely to be disease-causing. For these reasons, this variant has been classified as Pathogenic.

Literature cited by the submitters: PubMed 21931868.